The following is an entry in ClinVar:

NM_024642.5(GALNT12):c.1420G>C (p.Val474Leu)

Gene: GALNT12 (polypeptide N-acetylgalactosaminyltransferase 12; plus strand). Cytogenetic location: 9q22.33.
Variant type: single nucleotide variant.
Coding change: c.1420G>C on transcript NM_024642.5 (MANE Select); coding-DNA position 1420, G replaced by C.
Protein change: p.Val474Leu; replaces valine 474 with leucine.
Molecular consequence: missense variant.
Genome position (GRCh38, 1-based): chr9:98,844,171, G>C. VCF-style: chr9-98844171-G-C. GRCh37 (hg19) VCF-style: chr9-101606453-G-C.
Other names: short protein forms V474L.
Identifiers: ClinVar variation 2451769 (VCV002451769.2), dbSNP rs1588458096, ClinGen allele CA374221482.

ClinVar aggregate classification (germline): Uncertain significance (1 of 4 stars; one submission).

Submission:

Ambry Genetics
Classification: Uncertain significance. Last evaluated: 2022-12-18. Review status: criteria provided, single submitter. Criteria: Ambry Variant Classification Scheme 2023. Collection method: clinical testing. Allele origin: germline.
Comment: The p.V474L variant (also known as c.1420G>C), located in coding exon 8 of the GALNT12 gene, results from a G to C substitution at nucleotide position 1420. The valine at codon 474 is replaced by leucine, an amino acid with highly similar properties. This amino acid position is conserved. In addition, this alteration is predicted to be tolerated by in silico analysis. Since supporting evidence is limited at this time, the clinical significance of this alteration remains unclear.